The following is an entry in ClinVar:

ClinVar aggregate classification (germline): Uncertain significance (1 of 4 stars; one submission).

gnomAD v4.1: 7 of 1,551,498 alleles (0.00045%); highest among the groups gnomAD compares: South Asian, 0.0024%; no homozygotes.

Submission:

Mayo Clinic Laboratories, Mayo Clinic
Classification: Uncertain significance. Last evaluated: 2024-02-15. Review status: criteria provided, single submitter. Criteria: ACMG Guidelines, 2015. Collection method: clinical testing. Allele origin: germline. Observed: 1 variant allele.
Comment: PM2_moderate, PM3_supporting

Literature cited by the submitters: PubMed 35064402.

NM_000398.7(CYB5R3):c.175C>T (p.Arg59Cys)

Gene: CYB5R3 (cytochrome b5 reductase 3; minus strand). Cytogenetic location: 22q13.2.
Variant type: single nucleotide variant.
Coding change: c.175C>T on transcript NM_000398.7 (MANE Select); coding-DNA position 175, C replaced by T.
Protein change: p.Arg59Cys; replaces arginine 59 with cysteine.
Molecular consequence: missense variant.
Genome position (GRCh38, 1-based): chr22:42,631,429, G>A on the plus strand (C>T on the coding strand, the complement: CYB5R3 is on the minus strand). VCF-style: chr22-42631429-G-A. GRCh37 (hg19) VCF-style: chr22-43027435-G-A.
Other names: p.Arg59Cys; c.106C>T, p.Arg36Cys (NM_001129819.2, NM_001171661.1, NM_007326.4); c.274C>T, p.Arg92Cys (NM_001171660.2); short protein forms R36C, R59C, R92C.
Identifiers: ClinVar variation 3380728 (VCV003380728.1).